The following is an entry in ClinVar:

NM_000104.4(CYP1B1):c.608A>G (p.Asn203Ser)

Gene: CYP1B1 (cytochrome P450 family 1 subfamily B member 1; minus strand). Cytogenetic location: 2p22.2.
Variant type: single nucleotide variant.
Coding change: c.608A>G on transcript NM_000104.4 (MANE Select); coding-DNA position 608, A replaced by G.
Protein change: p.Asn203Ser; replaces asparagine 203 with serine.
Molecular consequence: missense variant.
Genome position (GRCh38, 1-based): chr2:38,074,781, T>C on the plus strand (A>G on the coding strand, the complement: CYP1B1 is on the minus strand). VCF-style: chr2-38074781-T-C. GRCh37 (hg19) VCF-style: chr2-38301924-T-C.
Other names: short protein forms N203S.
Identifiers: ClinVar variation 3779557 (VCV003779557.2).

ClinVar aggregate classification (germline): Uncertain significance. Review status: reviewed by expert panel (3 of 4 stars). 2 submissions from 2 submitters: Uncertain significance (1). 1 of the submissions does not count toward it. Last evaluated 2026-10-27.

Conditions:
CYP1B1-related glaucoma with or without anterior segment dysgenesis. Identifiers: MedGen CN375931, MONDO:0800472.
Glaucoma 3, primary infantile, B. Also called: GLAUCOMA, PRIMARY CONGENITAL, TYPE B; GLC3B; GLC3 type B; Primary congenital glaucoma type 3B; Glaucoma primary congenita type 3B. Identifiers: Orphanet 98976, MedGen C1832977, MONDO:0010968, OMIM 600975.
Anterior segment dysgenesis 6 (ASGD6). Also called: Anterior segment dysgenesis 6, multiple subtypes. Identifiers: MedGen C4310623, MONDO:0015016, OMIM 617315.
Glaucoma 3A. Also called: Glaucoma 3, primary congenital, A. Identifiers: Orphanet 98976, Orphanet 98977, MedGen C1856439, MONDO:0009277, OMIM 231300.

Submissions (2):

ClinGen Glaucoma Variant Curation Expert Panel
Classification: Uncertain significance for CYP1B1-related glaucoma with or without anterior segment dysgenesis. Last evaluated: 2026-10-27. Review status: reviewed by expert panel. Criteria: ClinGen Glaucoma ACMG Specifications CYP1B1 V2.0. Collection method: curation. Allele origin: germline. Inheritance: Autosomal recessive inheritance.
Comment: The c.608A>G variant in CYP1B1 is a missense variant predicted to cause substitution of Asparagine by Serine at amino acid 203 (p.Asn203Ser). The highest minor allele frequency of this variant was in the East Asian genetic ancestry group of gnomAD (v4.1) = 0.0002055 (9 alleles out of 43,798), which met the ≤ 0.0005 threshold set for PM2_Supporting in a genetic ancestry group of at least 2,000 alleles. The REVEL score = 0.793, which was within the 0.773-0.931 range for PP3_Moderate, predicting a damaging effect on CYP1B1 function. A previous study (PMID: 18470941) demonstrated that the Asn203Ser protein had reduced 17B Estradiol Activity levels compared to wild type CYP1B1 protein and met the OddsPath threshold for PS3_Supporting (> 2.1), indicating that this variant did impact protein function. This variant has not been identified as homozygous or compound heterozygous with another variant in CYP1B1, therefore PM3 was not applied. In summary, this variant met the criteria to receive a score of 4 and to be classified as a variant of uncertain significance (uncertain significance classification range -1 to 5, adapted from PMID: 32720330) for CYP1B1-related glaucoma with or without anterior segment dysgenesis (ASD) based on the ACMG/AMP criteria met, as specified by the ClinGen Glaucoma VCEP (v2.0, 16.07.2026): PP3_Moderate, PS3_Supporting, PM2_Supporting.

Department of Pathology and Laboratory Medicine, Sinai Health System
Classification: Likely pathogenic for Anterior segment dysgenesis 6; Glaucoma 3A; Glaucoma 3, primary infantile, B. Last evaluated: 2022-11-21. Review status: criteria provided, single submitter. Criteria: ACMG Guidelines, 2015. Collection method: research. Allele origin: germline. Not counted in ClinVar's aggregate classification.

Literature cited by the submitters: PubMed 18470941 (cited by ClinGen Glaucoma Variant Curation Expert Panel).